The following is an entry in ClinVar:

ClinVar aggregate classification (germline): Benign/Likely benign. Review status: criteria provided, multiple submitters, no conflicts (2 of 4 stars). 3 submissions from 3 submitters: Benign (1); Likely benign (1). 1 of the submissions does not count toward it. Last evaluated 2026-01-13.

Conditions:
Kabuki syndrome. Also called: Kabuki make-up syndrome; NIIKAWA-KUROKI SYNDROME. Identifiers: Orphanet 2322, MedGen C0796004, MONDO:0016512.

Allele frequency attached by ClinVar (database versions not stated): gnomAD exomes 0.00002 and 0.00003; ExAC 0.00004; gnomAD 0.00010; TOPMed 0.00012; 1000 Genomes Project 30x 0.00031; 1000 Genomes Project 0.00040.
gnomAD v4.1: 47 of 1,613,346 alleles (0.0029%); highest among the groups gnomAD compares: African/African-American, 0.048%; no homozygotes.

Submissions (3):

Labcorp Genetics (formerly Invitae), Labcorp
Classification: Benign for Kabuki syndrome. Last evaluated: 2026-01-13. Review status: criteria provided, single submitter. Criteria: Invitae Variant Classification Sherloc (09022015). Collection method: clinical testing. Allele origin: germline.

CeGaT Center for Human Genetics Tuebingen
Classification: Likely benign. Last evaluated: 2025-05-01. Review status: criteria provided, single submitter. Criteria: CeGaT Center For Human Genetics Tuebingen Variant Classification Criteria Version 2. Collection method: clinical testing. Allele origin: germline. Affected: yes. Observed: 1 variant allele.
Comment: KMT2D: BP4

ITMI
No classification provided. Condition: AllHighlyPenetrant. Last evaluated: 2013-09-19. Review status: no classification provided. Collection method: reference population. Allele origin: germline. Not counted in ClinVar's aggregate classification.
Comment: Please see associated publication for description of ethnicities

Literature cited by the submitters: PubMed 24728327 (cited by ITMI).

NM_003482.4(KMT2D):c.13220T>C (p.Val4407Ala)

Gene: KMT2D (lysine methyltransferase 2D; minus strand). Cytogenetic location: 12q13.12.
Variant type: single nucleotide variant.
Coding change: c.13220T>C on transcript NM_003482.4 (MANE Select); coding-DNA position 13220, T replaced by C.
Protein change: p.Val4407Ala; replaces valine 4407 with alanine.
Molecular consequence: missense variant.
Genome position (GRCh38, 1-based): chr12:49,031,485, A>G on the plus strand (T>C on the coding strand, the complement: KMT2D is on the minus strand). VCF-style: chr12-49031485-A-G. GRCh37 (hg19) VCF-style: chr12-49425268-A-G.
Other names: short protein forms V4407A.
Identifiers: ClinVar variation 134721 (VCV000134721.20), dbSNP rs185126345, ClinGen allele CA160613.